The following is an entry in ClinVar:

NM_004655.4(AXIN2):c.1650C>G (p.Tyr550Ter)

Gene: AXIN2 (axin 2; minus strand). Cytogenetic location: 17q24.1.
Variant type: single nucleotide variant.
Coding change: c.1650C>G on transcript NM_004655.4 (MANE Select); coding-DNA position 1650, C replaced by G.
Protein change: p.Tyr550Ter; replaces tyrosine 550 with a stop codon.
Molecular consequence: nonsense.
Genome position (GRCh38, 1-based): chr17:65,537,386, G>C on the plus strand (C>G on the coding strand, the complement: AXIN2 is on the minus strand). VCF-style: chr17-65537386-G-C. GRCh37 (hg19) VCF-style: chr17-63533504-G-C.
Other names: c.1650C>G, p.Tyr550Ter (NM_001363813.1); short protein forms Y550*.
Identifiers: ClinVar variation 4813037 (VCV004813037.1).
Genomic context (GRCh38, chr17:65,537,386, plus strand): 5'-AAACTGCTCGCTGGGCATGGTTTCCGGAGCCTTGGAGTGGCTTTTGCATTTCGAGTAGCA[G>C]TAATACTCGCTGCCCCCAGGGCAGAAGCAGTGCACCCGCTGCGTGGCCTCCGCCTCGATC-3'

ClinVar aggregate classification (germline): Pathogenic (1 of 4 stars; one submission).

Conditions:
Oligodontia-cancer predisposition syndrome. Also called: TOOTH AGENESIS-COLORECTAL CANCER SYNDROME. Identifiers: Orphanet 300576, MedGen C1837750, MONDO:0012075, OMIM 608615. Disease mechanism: loss of function.

Submission:

Myriad Genetics, Inc.
Classification: Pathogenic for Oligodontia-cancer predisposition syndrome. Last evaluated: 2025-11-19. Review status: criteria provided, single submitter. Criteria: Myriad Autosomal Dominant, Autosomal Recessive and X-Linked Classification Criteria (2023). Collection method: clinical testing. Allele origin: unknown.
Comment: This variant is considered pathogenic. This variant creates a termination codon and is predicted to result in premature protein truncation.